The following is an entry in ClinVar:

NM_001303.4(COX10):c.1030A>G (p.Met344Val)

Gene: COX10 (cytochrome c oxidase assembly factor heme A:farnesyltransferase COX10; plus strand). Cytogenetic location: 17p12.
Variant type: single nucleotide variant.
Coding change: c.1030A>G on transcript NM_001303.4 (MANE Select); coding-DNA position 1030, A replaced by G.
Protein change: p.Met344Val; replaces methionine 344 with valine.
Molecular consequence: missense variant.
Genome position (GRCh38, 1-based): chr17:14,206,911, A>G. VCF-style: chr17-14206911-A-G. GRCh37 (hg19) VCF-style: chr17-14110228-A-G.
Other names: short protein forms M344V.
Identifiers: ClinVar variation 4848656 (VCV004848656.1).

ClinVar aggregate classification (germline): Uncertain significance (1 of 4 stars; one submission).

gnomAD v4.1: 2 of 1,613,892 alleles (0.00012%); highest among the groups gnomAD compares: Non-Finnish European, 0.000085%; no homozygotes.

Submission:

Women's Health and Genetics/Laboratory Corporation of America, LabCorp
Classification: Uncertain significance. Last evaluated: 2026-04-30. Review status: criteria provided, single submitter. Criteria: LabCorp Variant Classification Summary - May 2015. Collection method: clinical testing. Allele origin: germline.
Comment: Variant summary: COX10 c.1030A>G (p.Met344Val) results in a conservative amino acid change in the encoded protein sequence. Algorithms developed to predict the effect of missense changes on protein structure and function are either unavailable or do not agree on the potential impact of this missense change. The variant was absent in 249536 control chromosomes (gnomAD). The available data on variant occurrences in the general population are insufficient to allow any conclusion about variant significance. c.1030A>G has been observed in an individual affected with a suspected mitochondrial disorder (Pronicka_2016). These data do not allow any conclusion about variant significance. To our knowledge, no experimental evidence demonstrating an impact on protein function has been reported. The following publication has been ascertained in the context of this evaluation (PMID: 27290639). No submitters have cited clinical-significance assessments for this variant to ClinVar. Based on the evidence outlined above, the variant was classified as uncertain significance.

Literature cited by the submitters: PubMed 27290639.